The following is an entry in ClinVar:

ClinVar aggregate classification (germline): Likely pathogenic (1 of 4 stars; one submission).

Conditions:
Nemaline myopathy 2 (NEM2). Also called: Nemaline myopathy 2, autosomal recessive. Identifiers: MedGen C1850569, MONDO:0009725, OMIM 256030.

Submission:

Natera, Inc.
Classification: Likely pathogenic for Nemaline myopathy type 2. Last evaluated: 2024-08-07. Review status: criteria provided, single submitter. Criteria: Natera Variant Classification Schema (03/2026). Collection method: clinical testing. Allele origin: germline.
Comment: The c.9303C>A variant in NEB is a nonsense variant predicted to introduce a stop codon at amino acid 3101. This variant is expected to result in nonsense mediated decay, truncation, or a dysfunctional protein product. This variant is rare in the general population with a frequency below the threshold expected for the associated phenotype(s). Given the available evidence, this variant is classified as Likely Pathogenic.

NM_001164508.2(NEB):c.9303C>A (p.Cys3101Ter)

Gene: NEB (nebulin; minus strand). Cytogenetic location: 2q23.3.
Variant type: single nucleotide variant.
Coding change: c.9303C>A on transcript NM_001164508.2 (MANE Select); coding-DNA position 9303, C replaced by A.
Protein change: p.Cys3101Ter; replaces cysteine 3101 with a stop codon.
Molecular consequence: nonsense. On other transcripts: intron variant (1).
Genome position (GRCh38, 1-based): chr2:151,633,765, G>T on the plus strand (C>A on the coding strand, the complement: NEB is on the minus strand). VCF-style: chr2-151633765-G-T. GRCh37 (hg19) VCF-style: chr2-152490279-G-T.
Other names: c.9303C>A, p.Cys3101Ter (NM_001164507.2, NM_001271208.2); c.8854-2587C>A (NM_004543.5); short protein forms C3101*.
Identifiers: ClinVar variation 4814797 (VCV004814797.1).
Genomic context (GRCh38, chr2:151,633,765, plus strand): 5'-AGGCAGGCATGTCCACTCGTGCAGGTAGTTCTTATAGTCCACGTCACTGACTAAGGTCTG[G>T]CACTTCTTGGCCAGCACCACCCCCAGCATGTCCACTGGGCTGCTGAACTTGGTCTTCCAC-3'